The following is an entry in ClinVar:

ClinVar aggregate classification (germline): Conflicting classifications of pathogenicity. Review status: criteria provided, conflicting classifications (1 of 4 stars). 4 submissions from 4 submitters: Uncertain significance (1); Likely benign (3). Last evaluated 2025-03-13.

Conditions:
Hereditary cancer-predisposing syndrome. Also called: Neoplastic Syndromes, Hereditary; Hereditary Cancer Syndrome; Tumor predisposition; Hereditary neoplastic syndrome. Identifiers: Orphanet 140162, MedGen C0027672, MeSH D009386, MONDO:0015356.
Breast-ovarian cancer, familial, susceptibility to, 4. Identifiers: Orphanet 145, MedGen C3280345, MONDO:0013669, OMIM 614291.

Allele frequency attached by ClinVar (database versions not stated): gnomAD exomes 0.00001; ExAC 0.00002; gnomAD 0.00002; TOPMed 0.00002.
gnomAD v4.1: 3 of 1,613,202 alleles (0.00019%); highest among the groups gnomAD compares: African/African-American, 0.004%; no homozygotes.

Submissions (4):

Labcorp Genetics (formerly Invitae), Labcorp
Classification: Likely benign for Breast-ovarian cancer, familial, susceptibility to, 4. Last evaluated: 2025-03-13. Review status: criteria provided, single submitter. Criteria: Invitae Variant Classification Sherloc (09022015). Collection method: clinical testing. Allele origin: germline.

Myriad Genetics, Inc.
Classification: Likely benign for Breast-ovarian cancer, familial, susceptibility to, 4. Last evaluated: 2025-02-24. Review status: criteria provided, single submitter. Criteria: Myriad Autosomal Dominant, Autosomal Recessive and X-Linked Classification Criteria (2023). Collection method: clinical testing. Allele origin: unknown.
Comment: This variant is considered likely benign. This variant is intronic and is not expected to impact mRNA splicing.

Ambry Genetics
Classification: Likely benign for Hereditary cancer-predisposing syndrome. Last evaluated: 2022-05-04. Review status: criteria provided, single submitter. Criteria: Ambry Variant Classification Scheme 2023. Collection method: clinical testing. Allele origin: germline.

Sema4
Classification: Uncertain significance for Hereditary cancer-predisposing syndrome. Last evaluated: 2022-03-13. Review status: criteria provided, single submitter. Criteria: Sema4 Curation Guidelines. Collection method: curation. Allele origin: germline.
Comment: The RAD51D c.739-5T>C variant has not been reported in the literature to our knowledge. It was observed in 2/16238 chromosomes of the African/African American subpopulation, in the large and broad cohorts of the Genome Aggregation Database (PMID: 32461654). This variant has been reported in ClinVar (Variation ID 772503). In silico tools suggest that the variant does not impact splicing, though these predictions have not been confirmed by functional studies. The evidence is insufficient to meet ACMG/AMP criteria for classifying the variant as benign or pathogenic. Thus, the clinical significance of this variant is currently uncertain.

NM_002878.4(RAD51D):c.739-5T>C

Genes: RAD51D (RAD51 paralog D; minus strand), RAD51L3-RFFL (RAD51L3-RFFL readthrough; minus strand). Cytogenetic location: 17q12.
Variant type: single nucleotide variant.
Coding change: c.739-5T>C on transcript NM_002878.4 (MANE Select); 5 bases into the intron before coding-DNA position 739, T replaced by C.
Molecular consequence: intron variant.
Genome position (GRCh38, 1-based): chr17:35,101,370, A>G on the plus strand (T>C on the coding strand, the complement: RAD51D is on the minus strand). VCF-style: chr17-35101370-A-G. GRCh37 (hg19) VCF-style: chr17-33428389-A-G.
Other names: c.403-5T>C (NM_133629.3); c.799-5T>C (NM_001142571.2).
Identifiers: ClinVar variation 772503 (VCV000772503.14), dbSNP rs777400873, ClinGen allele CA8499354.